The following is an entry in ClinVar:

NM_003716.4(CADPS):c.534C>T (p.Asn178=)

Gene: CADPS (calcium dependent secretion activator; minus strand). Cytogenetic location: 3p14.2.
Variant type: single nucleotide variant.
Coding change: c.534C>T on transcript NM_003716.4 (MANE Select); coding-DNA position 534, C replaced by T.
Protein change: p.Asn178=; no amino-acid change (asparagine 178 retained).
Molecular consequence: synonymous variant.
Genome position (GRCh38, 1-based): chr3:62,765,892, G>A on the plus strand (C>T on the coding strand, the complement: CADPS is on the minus strand). VCF-style: chr3-62765892-G-A. GRCh37 (hg19) VCF-style: chr3-62751567-G-A.
Other names: c.534C>T, p.Asn178= (NM_183393.3, NM_183394.3).
Identifiers: ClinVar variation 2653936 (VCV002653936.24), dbSNP rs768387474, ClinGen allele CA2477270.

ClinVar aggregate classification (germline): Likely benign (1 of 4 stars; one submission).

Allele frequency attached by ClinVar (database versions not stated): ExAC 0.00003.
gnomAD v4.1: 31 of 1,611,456 alleles (0.0019%); highest among the groups gnomAD compares: Non-Finnish European, 0.0022%; no homozygotes.

Submission:

CeGaT Center for Human Genetics Tuebingen
Classification: Likely benign. Last evaluated: 2022-06-01. Review status: criteria provided, single submitter. Criteria: CeGaT Center For Human Genetics Tuebingen Variant Classification Criteria Version 2. Collection method: clinical testing. Allele origin: germline. Affected: yes. Observed: 1 variant allele.
Comment: CADPS: BP4, BP7